The following is an entry in ClinVar:

ClinVar aggregate classification (germline): Uncertain significance (1 of 4 stars; one submission).

gnomAD v4.1: 2 of 1,613,502 alleles (0.00012%); highest among the groups gnomAD compares: Admixed American, 0.0033%; no homozygotes.

Submission:

CeGaT Center for Human Genetics Tuebingen
Classification: Uncertain significance. Last evaluated: 2026-06-01. Review status: criteria provided, single submitter. Criteria: CeGaT Center For Human Genetics Tuebingen Variant Classification Criteria Version 2. Collection method: clinical testing. Allele origin: germline. Affected: yes. Observed: 1 variant allele.
Comment: ACAN: PM2, BP4

NM_001369268.1(ACAN):c.5306C>A (p.Ala1769Glu)

Gene: ACAN (aggrecan; plus strand). Cytogenetic location: 15q26.1.
Variant type: single nucleotide variant.
Coding change: c.5306C>A on transcript NM_001369268.1 (MANE Select); coding-DNA position 5306, C replaced by A.
Protein change: p.Ala1769Glu; replaces alanine 1769 with glutamic acid.
Molecular consequence: missense variant.
Genome position (GRCh38, 1-based): chr15:88,857,891, C>A. VCF-style: chr15-88857891-C-A. GRCh37 (hg19) VCF-style: chr15-89401122-C-A.
Other names: c.5306C>A, p.Ala1769Glu (NM_001135.4, NM_001411096.1, NM_001411097.1 and 1 more transcripts); short protein forms A1769E.
Identifiers: ClinVar variation 4875301 (VCV004875301.2).